The following is an entry in ClinVar:

NM_001377265.1(MAPT):c.1762G>A (p.Gly588Ser)

Gene: MAPT (microtubule associated protein tau). Cytogenetic location: 17q21.31.
Variant type: single nucleotide variant.
Coding change: c.1762G>A on transcript NM_001377265.1 (MANE Select); coding-DNA position 1762, G replaced by A.
Protein change: p.Gly588Ser; replaces glycine 588 with serine.
Molecular consequence: missense variant.
Genome position (GRCh38, 1-based): chr17:45,996,428, G>A. VCF-style: chr17-45996428-G-A. GRCh37 (hg19) VCF-style: chr17-44073794-G-A.
Other names: c.1591G>A, p.Gly531Ser (NM_001123066.4); c.499G>A, p.Gly167Ser (NM_001123067.4, NM_001203251.2, NM_001377267.1); c.586G>A, p.Gly196Ser (NM_001203252.2, NM_005910.6); c.1564G>A, p.Gly522Ser (NM_001377266.1); c.412G>A, p.Gly138Ser (NM_001377268.1, NM_016834.5, NM_016841.5); c.1537G>A, p.Gly513Ser (NM_016835.5); short protein forms G138S, G167S, G196S, G513S, G522S, G531S, G588S.
Identifiers: ClinVar variation 1298710 (VCV001298710.38), dbSNP rs1400315970, ClinGen allele CA399977993.
Genomic context (GRCh38, chr17:45,996,428, plus strand): 5'-TCCTGGCTTCACTCCCTTCCTTCCTTCCCAGGTGAACCTCCAAAATCAGGGGATCGCAGC[G>A]GCTACAGCAGCCCCGGCTCCCCAGGCACTCCCGGCAGCCGCTCCCGCACCCCGTCCCTTC-3'
Protein context (NP_001364194.1, residues 578-598): GEPPKSGDRS[Gly588Ser]YSSPGSPGTP

ClinVar aggregate classification (germline): Uncertain significance. Review status: criteria provided, multiple submitters, no conflicts (2 of 4 stars). 2 submissions from 2 submitters: Uncertain significance (2). Last evaluated 2022-11-26.

Conditions:
Frontotemporal dementia (FTD1). Also called: Dementia, frontotemporal, with or without parkinsonism; Frontotemporal Dementia with Parkinsonism-17 (FTDP-17); FRONTOTEMPORAL DEMENTIA WITH PARKINSONISM; FRONTOTEMPORAL LOBE DEMENTIA; MULTIPLE SYSTEM TAUOPATHY WITH PRESENILE DEMENTIA; WILHELMSEN-LYNCH DISEASE. Identifiers: Orphanet 282, MedGen C0338451, MONDO:0017276, OMIM 600274, HP:0002145.

Allele frequency attached by ClinVar (database versions not stated): gnomAD exomes below 0.00001.
gnomAD v4.1: 2 of 1,612,754 alleles (0.00012%); highest among the groups gnomAD compares: South Asian, 0.0011%; no homozygotes.

Submissions (2):

Labcorp Genetics (formerly Invitae), Labcorp
Classification: Uncertain significance for Frontotemporal dementia. Last evaluated: 2022-11-26. Review status: criteria provided, single submitter. Criteria: Invitae Variant Classification Sherloc (09022015). Collection method: clinical testing. Allele origin: germline.
Comment: In summary, the available evidence is currently insufficient to determine the role of this variant in disease. Therefore, it has been classified as a Variant of Uncertain Significance. Advanced modeling of protein sequence and biophysical properties (such as structural, functional, and spatial information, amino acid conservation, physicochemical variation, residue mobility, and thermodynamic stability) performed at Invitae indicates that this missense variant is not expected to disrupt MAPT protein function. ClinVar contains an entry for this variant (Variation ID: 1298710). This variant has not been reported in the literature in individuals affected with MAPT-related conditions. This variant is present in population databases (no rsID available, gnomAD 0.003%). This sequence change replaces glycine, which is neutral and non-polar, with serine, which is neutral and polar, at codon 196 of the MAPT protein (p.Gly196Ser).

CeGaT Center for Human Genetics Tuebingen
Classification: Uncertain significance. Last evaluated: 2021-07-01. Review status: criteria provided, single submitter. Criteria: CeGaT Center For Human Genetics Tuebingen Variant Classification Criteria Version 2. Collection method: clinical testing. Allele origin: germline. Affected: yes. Observed: 1 variant allele.